The following is an entry in ClinVar:

ClinVar aggregate classification (germline): Uncertain significance (1 of 4 stars; one submission).

Conditions:
EGFR-related lung cancer (EGFR). Identifiers: MedGen CN130014.

Submission:

Labcorp Genetics (formerly Invitae), Labcorp
Classification: Uncertain significance for EGFR-related lung cancer. Last evaluated: 2023-10-22. Review status: criteria provided, single submitter. Criteria: Invitae Variant Classification Sherloc (09022015). Collection method: clinical testing. Allele origin: germline.
Comment: This sequence change replaces histidine, which is basic and polar, with tyrosine, which is neutral and polar, at codon 383 of the EGFR protein (p.His383Tyr). This variant is not present in population databases (gnomAD no frequency). This variant has not been reported in the literature in individuals affected with EGFR-related conditions. Advanced modeling of protein sequence and biophysical properties (such as structural, functional, and spatial information, amino acid conservation, physicochemical variation, residue mobility, and thermodynamic stability) performed at Invitae indicates that this missense variant is not expected to disrupt EGFR protein function with a negative predictive value of 80%. In summary, the available evidence is currently insufficient to determine the role of this variant in disease. Therefore, it has been classified as a Variant of Uncertain Significance.

NM_005228.5(EGFR):c.1147C>T (p.His383Tyr)

Genes: EGFR (epidermal growth factor receptor; plus strand), LOC126860048 (P300/CBP strongly-dependent group 1 enhancer GRCh37_chr7:55223847-55225046; plus strand). Cytogenetic location: 7p11.2.
Variant type: single nucleotide variant.
Coding change: c.1147C>T on transcript NM_005228.5 (MANE Select); coding-DNA position 1147, C replaced by T.
Protein change: p.His383Tyr; replaces histidine 383 with tyrosine.
Molecular consequence: missense variant.
Genome position (GRCh38, 1-based): chr7:55,156,772, C>T. VCF-style: chr7-55156772-C-T. GRCh37 (hg19) VCF-style: chr7-55224465-C-T.
Other names: c.1012C>T, p.His338Tyr (NM_001346897.2, NM_001346899.2); c.1147C>T, p.His383Tyr (NM_001346898.2, NM_201282.2, NM_201283.2 and 1 more transcripts); c.988C>T, p.His330Tyr (NM_001346900.2); c.346C>T, p.His116Tyr (NM_001346941.2); short protein forms H116Y, H330Y, H383Y, H338Y.
Identifiers: ClinVar variation 2770102 (VCV002770102.3), dbSNP rs755972013, ClinGen allele CA367578542.
Genomic context (GRCh38, chr7:55,156,772, plus strand): 5'-AACTGGTAGAGATTGGTGATCAATAATCACCCTGTTGTTTGTTTCAGTGACTCCTTCACA[C>T]ATACTCCTCCTCTGGATCCACAGGAACTGGATATTCTGAAAACCGTAAAGGAAATCACAG-3'
Protein context (NP_005219.2, residues 373-393): PVAFRGDSFT[His383Tyr]TPPLDPQELD